The following is an entry in ClinVar:

NM_005585.5(SMAD6):c.1090del (p.Ser364fs)

Gene: SMAD6 (SMAD family member 6; plus strand). Cytogenetic location: 15q22.31.
Variant type: Deletion.
Coding change: c.1090del on transcript NM_005585.5 (MANE Select); coding-DNA position 1090, one base deleted (A; older notation c.1090delA).
Protein change: p.Ser364fs; shifts the reading frame from serine 364.
Molecular consequence: frameshift variant. On other transcripts: non-coding transcript variant (1).
Genome position (GRCh38, 1-based): chr15:66,781,134, A deleted. VCF-style (leftmost placement, unchanged base first): chr15-66781133-CA-C. GRCh37 (hg19) VCF-style: chr15-67073471-CA-C.
Other names: short protein forms S364fs.
Identifiers: ClinVar variation 1407445 (VCV001407445.6), dbSNP rs2140681457, ClinGen allele CA2573151038.

ClinVar aggregate classification (germline): Uncertain significance (1 of 4 stars; one submission).

Conditions:
Aortic valve disease 2 (AOVD2). Identifiers: MedGen C3542024, MONDO:0013902, OMIM 614823.

Submission:

Labcorp Genetics (formerly Invitae), Labcorp
Classification: Uncertain significance for Aortic valve disease 2. Last evaluated: 2021-09-15. Review status: criteria provided, single submitter. Criteria: Invitae Variant Classification Sherloc (09022015). Collection method: clinical testing. Allele origin: germline.
Comment: In summary, the available evidence is currently insufficient to determine the role of this variant in disease. Therefore, it has been classified as a Variant of Uncertain Significance. This variant has not been reported in the literature in individuals with SMAD6-related conditions. This sequence change results in a frameshift in the SMAD6 gene (p.Ser364Alafs*175). While this is not anticipated to result in nonsense mediated decay, it is expected to disrupt the last 133 amino acid(s) of the SMAD6 protein and extend the protein by 41 additional amino acid residues. This variant is not present in population databases (ExAC no frequency).